The following is an entry in ClinVar:

ClinVar aggregate classification (germline): Uncertain significance. Review status: criteria provided, multiple submitters, no conflicts (2 of 4 stars). 2 submissions from 2 submitters: Uncertain significance (2). Last evaluated 2024-04-16.

Conditions:
Noonan syndrome 8 (NS8). Identifiers: Orphanet 648, MedGen C3809233, MONDO:0014143, OMIM 615355.
Cardiovascular phenotype. Identifiers: MedGen CN230736.

Allele frequency attached by ClinVar (database versions not stated): ExAC 0.00001; gnomAD 0.00001; gnomAD exomes 0.00001; TOPMed 0.00001.

Submissions (2):

Ambry Genetics
Classification: Uncertain significance for Cardiovascular phenotype. Last evaluated: 2024-04-16. Review status: criteria provided, single submitter. Criteria: Ambry Variant Classification Scheme 2023. Collection method: clinical testing. Allele origin: germline.
Comment: The p.R180W variant (also known as c.538C>T), located in coding exon 5 of the RIT1 gene, results from a C to T substitution at nucleotide position 538. The arginine at codon 180 is replaced by tryptophan, an amino acid with dissimilar properties. This amino acid position is highly conserved in available vertebrate species. In addition, this alteration is predicted to be deleterious by in silico analysis. Based on the available evidence, the clinical significance of this variant remains unclear.

Labcorp Genetics (formerly Invitae), Labcorp
Classification: Uncertain significance for Noonan syndrome 8. Last evaluated: 2023-12-31. Review status: criteria provided, single submitter. Criteria: Invitae Variant Classification Sherloc (09022015). Collection method: clinical testing. Allele origin: germline.
Comment: This sequence change replaces arginine, which is basic and polar, with tryptophan, which is neutral and slightly polar, at codon 180 of the RIT1 protein (p.Arg180Trp). This variant is present in population databases (rs764151643, gnomAD 0.007%). This variant has not been reported in the literature in individuals affected with RIT1-related conditions. ClinVar contains an entry for this variant (Variation ID: 1747210). Advanced modeling of protein sequence and biophysical properties (such as structural, functional, and spatial information, amino acid conservation, physicochemical variation, residue mobility, and thermodynamic stability) performed at Invitae indicates that this missense variant is expected to disrupt RIT1 protein function with a positive predictive value of 95%. In summary, the available evidence is currently insufficient to determine the role of this variant in disease. Therefore, it has been classified as a Variant of Uncertain Significance.

NM_006912.6(RIT1):c.538C>T (p.Arg180Trp)

Gene: RIT1 (Ras like without CAAX 1; minus strand). Cytogenetic location: 1q22.
Variant type: single nucleotide variant.
Coding change: c.538C>T on transcript NM_006912.6 (MANE Select); coding-DNA position 538, C replaced by T.
Protein change: p.Arg180Trp; replaces arginine 180 with tryptophan.
Molecular consequence: missense variant.
Genome position (GRCh38, 1-based): chr1:155,900,510, G>A on the plus strand (C>T on the coding strand, the complement: RIT1 is on the minus strand). VCF-style: chr1-155900510-G-A. GRCh37 (hg19) VCF-style: chr1-155870301-G-A.
Other names: c.430C>T, p.Arg144Trp (NM_001256820.2); c.589C>T, p.Arg197Trp (NM_001256821.2); short protein forms R180W, R197W, R144W.
Identifiers: ClinVar variation 1747210 (VCV001747210.6), dbSNP rs764151643, ClinGen allele CA1151776.